The following is an entry in ClinVar:

ClinVar aggregate classification (germline): Pathogenic (1 of 4 stars; one submission).

Submission:

Labcorp Genetics (formerly Invitae), Labcorp
Classification: Pathogenic. Last evaluated: 2023-10-17. Review status: criteria provided, single submitter. Criteria: Invitae Variant Classification Sherloc (09022015). Collection method: clinical testing. Allele origin: germline.
Comment: This sequence change creates a premature translational stop signal (p.Ser163Thrfs*35) in the LRPPRC gene. It is expected to result in an absent or disrupted protein product. Loss-of-function variants in LRPPRC are known to be pathogenic (PMID: 26510951). This variant is not present in population databases (gnomAD no frequency). This variant has not been reported in the literature in individuals affected with LRPPRC-related conditions. For these reasons, this variant has been classified as Pathogenic.

Literature cited by the submitters: PubMed 26510951.

NM_133259.4(LRPPRC):c.486_489del (p.Ser163fs)

Gene: LRPPRC (leucine rich pentatricopeptide repeat containing; minus strand). Cytogenetic location: 2p21.
Variant type: Deletion.
Coding change: c.486_489del on transcript NM_133259.4 (MANE Select); coding-DNA positions 486 to 489, 4 bases deleted (GAGT; older notation c.486_489delGAGT).
Protein change: p.Ser163fs; shifts the reading frame from serine 163.
Molecular consequence: frameshift variant.
Genome position (GRCh38, 1-based): chr2:43,977,257-43,977,260, ACTC deleted on the plus strand (GAGT on the coding strand, the reverse complement: LRPPRC is on the minus strand); deleting any 4 consecutive bases within chr2:43,977,257-43,977,262 gives the same sequence; the c. name uses the placement nearest the transcript's 3' end. VCF-style (leftmost placement, unchanged base first): chr2-43977256-GACTC-G. GRCh37 (hg19) VCF-style: chr2-44204395-GACTC-G.
Other names: short protein forms S163fs.
Identifiers: ClinVar variation 2769338 (VCV002769338.3), dbSNP rs2466677048, ClinGen allele CA2697548021.